The following is an entry in ClinVar:

NM_182914.3(SYNE2):c.11239C>G (p.Gln3747Glu)

Gene: SYNE2 (spectrin repeat containing nuclear envelope protein 2; plus strand). Cytogenetic location: 14q23.2.
Variant type: single nucleotide variant.
Coding change: c.11239C>G on transcript NM_182914.3 (MANE Select); coding-DNA position 11239, C replaced by G.
Protein change: p.Gln3747Glu; replaces glutamine 3747 with glutamic acid.
Molecular consequence: missense variant.
Genome position (GRCh38, 1-based): chr14:64,080,531, C>G. VCF-style: chr14-64080531-C-G. GRCh37 (hg19) VCF-style: chr14-64547249-C-G.
Other names: c.11239C>G, p.Gln3747Glu (NM_015180.6); short protein forms Q3747E.
Identifiers: ClinVar variation 3670794 (VCV003670794.2).

ClinVar aggregate classification (germline): Uncertain significance (1 of 4 stars; one submission).

Conditions:
Emery-Dreifuss muscular dystrophy 5, autosomal dominant (EDMD5). Also called: EMERY-DREIFUSS MUSCULAR DYSTROPHY 5. Identifiers: Orphanet 261, MedGen C2751805, MONDO:0013072, OMIM 612999.

gnomAD v4.1: 17 of 1,614,024 alleles (0.0011%); highest among the groups gnomAD compares: African/African-American, 0.019%; no homozygotes.

Submission:

Labcorp Genetics (formerly Invitae), Labcorp
Classification: Uncertain significance for Emery-Dreifuss muscular dystrophy 5, autosomal dominant. Last evaluated: 2024-02-06. Review status: criteria provided, single submitter. Criteria: Invitae Variant Classification Sherloc (09022015). Collection method: clinical testing. Allele origin: germline.
Comment: This sequence change replaces glutamine, which is neutral and polar, with glutamic acid, which is acidic and polar, at codon 3747 of the SYNE2 protein (p.Gln3747Glu). This variant is present in population databases (rs749762729, gnomAD 0.01%). This variant has not been reported in the literature in individuals affected with SYNE2-related conditions. An algorithm developed to predict the effect of missense changes on protein structure and function (PolyPhen-2) suggests that this variant is likely to be tolerated. In summary, the available evidence is currently insufficient to determine the role of this variant in disease. Therefore, it has been classified as a Variant of Uncertain Significance.